The following is an entry in ClinVar:

ClinVar aggregate classification (germline): Uncertain significance (1 of 4 stars; one submission).

Conditions:
Emery-Dreifuss muscular dystrophy 5, autosomal dominant (EDMD5). Also called: EMERY-DREIFUSS MUSCULAR DYSTROPHY 5. Identifiers: Orphanet 261, MedGen C2751805, MONDO:0013072, OMIM 612999.

gnomAD v4.1: 3 of 1,587,946 alleles (0.00019%); highest among the groups gnomAD compares: Non-Finnish European, 0.00026%; no homozygotes.

Submission:

Labcorp Genetics (formerly Invitae), Labcorp
Classification: Uncertain significance for Emery-Dreifuss muscular dystrophy 5, autosomal dominant. Last evaluated: 2022-07-26. Review status: criteria provided, single submitter. Criteria: Invitae Variant Classification Sherloc (09022015). Collection method: clinical testing. Allele origin: germline.
Comment: In summary, the available evidence is currently insufficient to determine the role of this variant in disease. Therefore, it has been classified as a Variant of Uncertain Significance. Algorithms developed to predict the effect of sequence changes on RNA splicing suggest that this variant may disrupt the consensus splice site. ClinVar contains an entry for this variant (Variation ID: 1366484). This variant has not been reported in the literature in individuals affected with SYNE2-related conditions. This variant is not present in population databases (gnomAD no frequency). This sequence change affects a donor splice site in intron 35 of the SYNE2 gene. It is expected to disrupt RNA splicing. Variants that disrupt the donor or acceptor splice site typically lead to a loss of protein function (PMID: 16199547), however the current clinical and genetic evidence is not sufficient to establish whether loss-of-function variants in SYNE2 cause disease.

Literature cited by the submitters: PubMed 16199547.

NM_182914.3(SYNE2):c.5151+1G>T

Gene: SYNE2 (spectrin repeat containing nuclear envelope protein 2; plus strand). Cytogenetic location: 14q23.2.
Variant type: single nucleotide variant.
Coding change: c.5151+1G>T on transcript NM_182914.3 (MANE Select); the canonical splice donor site of the intron after coding-DNA position 5151, G replaced by T.
Molecular consequence: splice donor variant.
Genome position (GRCh38, 1-based): chr14:64,020,094, G>T. VCF-style: chr14-64020094-G-T. GRCh37 (hg19) VCF-style: chr14-64486812-G-T.
Other names: c.5151+1G>T (NM_015180.6).
Identifiers: ClinVar variation 1366484 (VCV001366484.6), dbSNP rs2153531508, ClinGen allele CA389939777.